The following is an entry in ClinVar:

NM_001710.6(CFB):c.1153A>G (p.Ile385Val)

Gene: CFB (complement factor B; plus strand). Cytogenetic location: 6p21.33.
Variant type: single nucleotide variant.
Coding change: c.1153A>G on transcript NM_001710.6 (MANE Select); coding-DNA position 1153, A replaced by G.
Protein change: p.Ile385Val; replaces isoleucine 385 with valine.
Molecular consequence: missense variant.
Genome position (GRCh38, 1-based): chr6:31,948,946, A>G. VCF-style: chr6-31948946-A-G. GRCh37 (hg19) VCF-style: chr6-31916723-A-G.
Other names: short protein forms I385V.
Identifiers: ClinVar variation 4775260 (VCV004775260.1).
Genomic context (GRCh38, chr6:31,948,946, plus strand): 5'-ATGATGAGCTGGCCAGATGACGTCCCTCCTGAAGGCTGGAACCGCACCCGCCATGTCATC[A>G]TCCTCATGACTGATGGTCAGAAGGGACCTCTCTCCTGTCCCAGCCTCCCCACCTTCTCAG-3'
Protein context (NP_001701.2, residues 375-395): EGWNRTRHVI[Ile385Val]LMTDGLHNMG

ClinVar aggregate classification (germline): Uncertain significance (1 of 4 stars; one submission).

Submission:

Labcorp Genetics (formerly Invitae), Labcorp
Classification: Uncertain significance. Last evaluated: 2025-10-26. Review status: criteria provided, single submitter. Criteria: Invitae Variant Classification Sherloc (09022015). Collection method: clinical testing. Allele origin: germline.
Comment: This sequence change replaces isoleucine, which is neutral and non-polar, with valine, which is neutral and non-polar, at codon 385 of the CFB protein (p.Ile385Val). This variant is not present in population databases (gnomAD no frequency). This variant has not been reported in the literature in individuals affected with CFB-related conditions. Invitae Evidence Modeling of protein sequence and biophysical properties (such as structural, functional, and spatial information, amino acid conservation, physicochemical variation, residue mobility, and thermodynamic stability) indicates that this missense variant is not expected to disrupt CFB protein function with a negative predictive value of 80%. In summary, the available evidence is currently insufficient to determine the role of this variant in disease. Therefore, it has been classified as a Variant of Uncertain Significance.